The following is an entry in ClinVar:

ClinVar aggregate classification (germline): Uncertain significance (1 of 4 stars; one submission).

Allele frequency attached by ClinVar (database versions not stated): gnomAD 0.00001.
gnomAD v4.1: 19 of 1,612,350 alleles (0.0012%); highest among the groups gnomAD compares: South Asian, 0.013%; no homozygotes.

Submission:

Labcorp Genetics (formerly Invitae), Labcorp
Classification: Uncertain significance. Last evaluated: 2022-09-02. Review status: criteria provided, single submitter. Criteria: Invitae Variant Classification Sherloc (09022015). Collection method: clinical testing. Allele origin: germline.
Comment: This sequence change replaces serine, which is neutral and polar, with leucine, which is neutral and non-polar, at codon 884 of the TNS2 protein (p.Ser884Leu). This variant is present in population databases (rs766028896, gnomAD 0.01%). This variant has not been reported in the literature in individuals affected with TNS2-related conditions. Algorithms developed to predict the effect of missense changes on protein structure and function are either unavailable or do not agree on the potential impact of this missense change (SIFT: "Tolerated"; PolyPhen-2: "Probably Damaging"; Align-GVGD: "Class C0"). In summary, the available evidence is currently insufficient to determine the role of this variant in disease. Therefore, it has been classified as a Variant of Uncertain Significance.

NM_170754.4(TNS2):c.2621C>T (p.Ser874Leu)

Gene: TNS2 (tensin 2; plus strand). Cytogenetic location: 12q13.13.
Variant type: single nucleotide variant.
Coding change: c.2621C>T on transcript NM_170754.4 (MANE Select); coding-DNA position 2621, C replaced by T.
Protein change: p.Ser874Leu; replaces serine 874 with leucine.
Molecular consequence: missense variant.
Genome position (GRCh38, 1-based): chr12:53,060,408, C>T. VCF-style: chr12-53060408-C-T. GRCh37 (hg19) VCF-style: chr12-53454192-C-T.
Other names: c.2621C>T, p.Ser874Leu (NM_001416202.1); c.2579C>T, p.Ser860Leu (NM_001416203.1); c.2648C>T, p.Ser883Leu (NM_001416204.1); c.2552C>T, p.Ser851Leu (NM_015319.3); c.2249C>T, p.Ser750Leu (NM_198316.2); short protein forms S874L, S750L, S884L, S851L, S860L, S883L.
Identifiers: ClinVar variation 2025195 (VCV002025195.4), dbSNP rs766028896, ClinGen allele CA6592643.
Genomic context (GRCh38, chr12:53,060,408, plus strand): 5'-TAAGCCAGACAGAAGAGCCCCATCCTGCTCACAGCCCACCTCTCCCCTTCACTGCAGAGT[C>T]GCTGGAGCCGGTGTCCTGGAGGGAGGGCCCCAGTGGGCACAGCACACTGCCTCGGTCTCC-3'
Protein context (NP_736610.2, residues 864-884): ASAGPLASAE[Ser874Leu]LEPVSWREGP